The following is an entry in ClinVar:

NC_000023.10:g.(?_32536105)_(32669194_?)del

Gene: DMD (dystrophin; minus strand). Cytogenetic location: Xp21.1.
Variant type: Deletion.
Identifiers: ClinVar variation 3243493 (VCV003243493.1).

ClinVar aggregate classification (germline): Pathogenic (1 of 4 stars; one submission).

Conditions:
Duchenne muscular dystrophy (DMD). Also called: MUSCULAR DYSTROPHY, PSEUDOHYPERTROPHIC PROGRESSIVE, DUCHENNE TYPE; Duchenne Muscular Dystrophy (DMD). Identifiers: Orphanet 98896, MedGen C0013264, MONDO:0010679, OMIM 310200.

Submission:

Labcorp Genetics (formerly Invitae), Labcorp
Classification: Pathogenic for Duchenne muscular dystrophy. Last evaluated: 2023-03-15. Review status: criteria provided, single submitter. Criteria: Invitae Variant Classification Sherloc (09022015). Collection method: clinical testing. Allele origin: unknown.
Comment: For these reasons, this variant has been classified as Pathogenic. This variant disrupts a region of the DMD protein in which other variant(s) (deletion of exon 13) have been determined to be pathogenic (PMID: 18353051, 22379338, 28116794, 28610567). This suggests that this is a clinically significant region of the protein, and that variants that disrupt it are likely to be disease-causing. This variant has not been reported in the literature in individuals affected with DMD-related conditions. This variant is a gross deletion of the genomic region encompassing exon(s) 10-18 of the DMD gene. This variant would be expected to be in-frame, preserving the integrity of the reading frame.

Literature cited by the submitters: PubMed 18353051; PubMed 22379338; PubMed 28116794; PubMed 28610567.